The following is an entry in ClinVar:

NM_001845.6(COL4A1):c.4925T>C (p.Phe1642Ser)

Gene: COL4A1 (collagen type IV alpha 1 chain; minus strand). Cytogenetic location: 13q34.
Variant type: single nucleotide variant.
Coding change: c.4925T>C on transcript NM_001845.6 (MANE Select); coding-DNA position 4925, T replaced by C.
Protein change: p.Phe1642Ser; replaces phenylalanine 1642 with serine.
Molecular consequence: missense variant.
Genome position (GRCh38, 1-based): chr13:110,152,337, A>G on the plus strand (T>C on the coding strand, the complement: COL4A1 is on the minus strand). VCF-style: chr13-110152337-A-G. GRCh37 (hg19) VCF-style: chr13-110804684-A-G.
Other names: short protein forms F1642S.
Identifiers: ClinVar variation 5017495 (VCV005017495.1).

ClinVar aggregate classification (germline): Uncertain significance (1 of 4 stars; one submission).

Submission:

GeneDx
Classification: Uncertain significance. Last evaluated: 2026-03-26. Review status: criteria provided, single submitter. Criteria: GeneDx Variant Classification Process June 2021. Collection method: clinical testing. Allele origin: germline.
Comment: Not observed at significant frequency in large population cohorts (gnomAD); In silico analysis supports that this missense variant has a deleterious effect on protein structure/function; Has not been previously published as pathogenic or benign to our knowledge